The following is an entry in ClinVar:

ClinVar aggregate classification (germline): Conflicting classifications of pathogenicity. Review status: criteria provided, conflicting classifications (1 of 4 stars). 11 submissions from 11 submitters: Uncertain significance (1); Benign (1); Likely benign (8). 1 of the submissions does not count toward it. Last evaluated 2026-01-22.

Conditions:
MSH6-related disorder. Also called: MSH6-related condition; MSH6-Related disorders.
Hereditary nonpolyposis colorectal neoplasms. Identifiers: MedGen C0009405, MeSH D003123.
Hereditary cancer-predisposing syndrome. Also called: Tumor predisposition; Hereditary Cancer Syndrome; Hereditary neoplastic syndrome; Neoplastic Syndromes, Hereditary. Identifiers: Orphanet 140162, MedGen C0027672, MeSH D009386, MONDO:0015356.
Lynch syndrome. Identifiers: Orphanet 144, MedGen C4552100, MONDO:0005835. Disease mechanism: loss of function.
Lynch syndrome 5 (LYNCH5). Also called: Colorectal cancer, hereditary nonpolyposis, type 5; Hereditary non-polyposis colorectal cancer, type 5. Identifiers: Orphanet 144, MedGen C1833477, MONDO:0013710, OMIM 614350. Disease mechanism: loss of function.

Allele frequency attached by ClinVar (database versions not stated): TOPMed below 0.00001; gnomAD exomes 0.00001 and 0.00002.
gnomAD v4.1: 21 of 1,614,174 alleles (0.0013%); highest among the groups gnomAD compares: Non-Finnish European, 0.0017%; no homozygotes.

Submissions (11):

Labcorp Genetics (formerly Invitae), Labcorp
Classification: Likely benign for Hereditary nonpolyposis colorectal neoplasms. Last evaluated: 2026-01-22. Review status: criteria provided, single submitter. Criteria: Invitae Variant Classification Sherloc (09022015). Collection method: clinical testing. Allele origin: germline.

Myriad Genetics, Inc.
Classification: Benign for Lynch syndrome 5. Last evaluated: 2024-12-27. Review status: criteria provided, single submitter. Criteria: Myriad Autosomal Dominant, Autosomal Recessive and X-Linked Classification Criteria (2023). Collection method: clinical testing. Allele origin: unknown.
Comment: This variant is considered benign. This variant is a silent/synonymous amino acid change and it is not expected to impact splicing.

All of Us Research Program, National Institutes of Health
Classification: Likely benign for Lynch syndrome. Last evaluated: 2023-10-30. Review status: criteria provided, single submitter. Criteria: ACMG Guidelines, 2015. Collection method: clinical testing. Allele origin: germline. Inheritance: Autosomal dominant inheritance. Observed: 4 variant alleles, 4 heterozygotes.
Comment: This study involves interpretation of variants in research participants for the purpose of population health screening. Participant phenotype was not available at the time of variant classification. Additional details can be found in publication PMID: 35346344, PMCID: PMC8962531

Department of Pathology and Laboratory Medicine, Sinai Health System
Classification: Likely benign for Lynch syndrome. Last evaluated: 2022-01-18. Review status: criteria provided, single submitter. Criteria: ACMG Guidelines, 2015. Collection method: clinical testing. Allele origin: germline. Affected: yes.

Sema4
Classification: Likely benign for Hereditary cancer-predisposing syndrome. Last evaluated: 2020-12-29. Review status: criteria provided, single submitter. Criteria: Sema4 Curation Guidelines. Collection method: curation. Allele origin: germline.

Women's Health and Genetics/Laboratory Corporation of America, LabCorp
Classification: Likely benign. Last evaluated: 2020-03-09. Review status: criteria provided, single submitter. Criteria: LabCorp Variant Classification Summary - May 2015. Collection method: clinical testing. Allele origin: germline.

GeneDx
Classification: Likely benign. Last evaluated: 2019-12-17. Review status: criteria provided, single submitter. Criteria: GeneDx Variant Classification Process June 2021. Collection method: clinical testing. Allele origin: germline. Affected: yes.

Illumina Laboratory Services, Illumina
Classification: Uncertain significance for Lynch syndrome 5. Last evaluated: 2018-01-13. Review status: criteria provided, single submitter. Criteria: ICSL Variant Classification Criteria 13 December 2019. Collection method: clinical testing. Allele origin: germline.

Color Diagnostics, LLC DBA Color Health
Classification: Likely benign for Hereditary cancer-predisposing syndrome. Last evaluated: 2016-11-14. Review status: criteria provided, single submitter. Criteria: ACMG Guidelines, 2015. Collection method: clinical testing. Allele origin: germline.

Ambry Genetics
Classification: Likely benign for Hereditary cancer-predisposing syndrome. Last evaluated: 2014-11-10. Review status: criteria provided, single submitter. Criteria: Ambry Variant Classification Scheme 2023. Collection method: clinical testing. Allele origin: germline.

PreventionGenetics, part of Exact Sciences
Classification: Likely benign for MSH6-related condition. Last evaluated: 2021-11-29. Review status: no assertion criteria provided. Collection method: clinical testing. Allele origin: germline. Not counted in ClinVar's aggregate classification.
Comment: This variant is classified as likely benign based on ACMG/AMP sequence variant interpretation guidelines (Richards et al. 2015 PMID: 25741868, with internal and published modifications).

NM_000179.3(MSH6):c.1668T>C (p.Tyr556=)

Gene: MSH6 (mutS homolog 6; plus strand). Cytogenetic location: 2p16.3.
Variant type: single nucleotide variant.
Coding change: c.1668T>C on transcript NM_000179.3 (MANE Select); coding-DNA position 1668, T replaced by C.
Protein change: p.Tyr556=; no amino-acid change (tyrosine 556 retained).
Molecular consequence: synonymous variant.
Genome position (GRCh38, 1-based): chr2:47,799,651, T>C. VCF-style: chr2-47799651-T-C. GRCh37 (hg19) VCF-style: chr2-48026790-T-C.
Other names: c.1278T>C, p.Tyr426= (NM_001281492.2); c.762T>C, p.Tyr254= (NM_001281493.2, NM_001281494.2).
Identifiers: ClinVar variation 183072 (VCV000183072.29), dbSNP rs730882130, ClinGen allele CA009044.